The following is an entry in ClinVar:

ClinVar aggregate classification (germline): Uncertain significance. Review status: criteria provided, single submitter (1 of 4 stars). 2 submissions from 1 submitter: Uncertain significance (2). Last evaluated 2021-08-12.

Conditions:
Juvenile polyposis syndrome (JPS). Identifiers: Orphanet 2929, MedGen C0345893, MONDO:0017380, OMIM 174900.
Generalized juvenile polyposis/juvenile polyposis coli. Also called: Juvenile polyposis coli. Identifiers: Orphanet 329971, MedGen C1868081, MONDO:0008276.

Submissions (2):

Labcorp Genetics (formerly Invitae), Labcorp
Classification: Uncertain significance for Juvenile polyposis syndrome. Last evaluated: 2021-08-12. Review status: criteria provided, single submitter. Criteria: Invitae Variant Classification Sherloc (09022015). Collection method: clinical testing. Allele origin: germline.
Comment: This variant occurs in a non-coding region of the SMAD4 gene. It does not change the encoded amino acid sequence of the SMAD4 protein. A similar copy number variant has been observed in individuals with clinical features of SMAD4-related conditions (PMID: 21421563; Invitae). Algorithms developed to predict the effect of variants on protein structure and function are not available or were not evaluated for this variant. Experimental studies have shown that a similar copy number variant affects SMAD4 function (PMID: 21421563). In summary, the available evidence is currently insufficient to determine the role of this variant in disease. Therefore, it has been classified as a Variant of Uncertain Significance.

Labcorp Genetics (formerly Invitae), Labcorp
Classification: Uncertain significance for Juvenile polyposis syndrome. Last evaluated: 2018-09-05. Review status: criteria provided, single submitter. Criteria: Invitae Variant Classification Sherloc (09022015). Collection method: clinical testing. Allele origin: germline.
Comment: This variant is a deletion of the genomic region encompassing the non-coding exon 1 of the SMAD4 gene. While deletions of exon 1 have not been reported in the literature, a deletion encompassing exon 1 and additional flanking intergenic and intronic sequences has been observed in an individual affected with juvenile polyposis (PMID: 21421563). The clinical significance of deletion of exon 1 alone is still unknown. This variant disrupts a portion of Promotor C of the SMAD4 protein, which has been shown to have significant transcriptional activity (PMID:Â¬â€ 21421563). While functional studies have not been performed to directly test the effect of exon 1 deletions on SMAD4 protein function, the functional significance of Promoter C suggests that disruption of part or all this region of the protein may be causative of disease. In summary, the available evidence is currently insufficient to determine the role of this variant in disease. Therefore, it has been classified as a Variant of Uncertain Significance.

Literature cited by the submitters: PubMed 21421563.

NC_000018.10:g.(?_51030213)_(51030623_?)del

Gene: SMAD4 (SMAD family member 4; plus strand). Cytogenetic location: 18q21.2.
Variant type: Deletion.
Identifiers: ClinVar variation 644844 (VCV000644844.6).